The following is an entry in ClinVar:

ClinVar aggregate classification (germline): Uncertain significance (1 of 4 stars; one submission).

Allele frequency attached by ClinVar (database versions not stated): gnomAD exomes 0.00001; TOPMed 0.00003; gnomAD 0.00005; ESP Exome Variant Server 0.00008.
gnomAD v4.1: 17 of 1,598,274 alleles (0.0011%); highest among the groups gnomAD compares: African/African-American, 0.023%; no homozygotes.

Submission:

Labcorp Genetics (formerly Invitae), Labcorp
Classification: Uncertain significance. Last evaluated: 2025-06-12. Review status: criteria provided, single submitter. Criteria: Invitae Variant Classification Sherloc (09022015). Collection method: clinical testing. Allele origin: germline.
Comment: This sequence change affects codon 2165 of the LAMA5 mRNA. It is a 'silent' change, meaning that it does not change the encoded amino acid sequence of the LAMA5 protein. It affects a nucleotide within the consensus splice site. This variant is present in population databases (rs370815395, gnomAD 0.02%). This variant has not been reported in the literature in individuals affected with LAMA5-related conditions. ClinVar contains an entry for this variant (Variation ID: 2076841). Algorithms developed to predict the effect of sequence changes on RNA splicing suggest that this variant may disrupt the consensus splice site. In summary, the available evidence is currently insufficient to determine the role of this variant in disease. Therefore, it has been classified as a Variant of Uncertain Significance.

NM_005560.6(LAMA5):c.6495A>G (p.Glu2165=)

Gene: LAMA5 (laminin subunit alpha 5; minus strand). Cytogenetic location: 20q13.33.
Variant type: single nucleotide variant.
Coding change: c.6495A>G on transcript NM_005560.6 (MANE Select); coding-DNA position 6495, A replaced by G.
Protein change: p.Glu2165=; no amino-acid change (glutamic acid 2165 retained).
Molecular consequence: synonymous variant.
Genome position (GRCh38, 1-based): chr20:62,322,020, T>C on the plus strand (A>G on the coding strand, the complement: LAMA5 is on the minus strand). VCF-style: chr20-62322020-T-C. GRCh37 (hg19) VCF-style: chr20-60897076-T-C.
Identifiers: ClinVar variation 2076841 (VCV002076841.4), dbSNP rs370815395, ClinGen allele CA317248581.